The following is an entry in ClinVar:

ClinVar aggregate classification (germline): Pathogenic. Review status: criteria provided, multiple submitters, no conflicts (2 of 4 stars). 3 submissions from 3 submitters: Pathogenic (2). 1 of the submissions does not count toward it. Last evaluated 2024-12-30.

Conditions:
NMNAT1-related disorder. Also called: NMNAT1-related condition.
Leber congenital amaurosis 9 (LCA9). Also called: LCA 9; Amaurosis congenita of Leber, type 9; LCA9 Leber Congenital Amaurosis. Identifiers: Orphanet 65, MedGen C1837873, MONDO:0012056, OMIM 608553.

Allele frequency attached by ClinVar (database versions not stated): ExAC 0.00001; gnomAD 0.00001 and 0.00002; gnomAD exomes 0.00001; TOPMed 0.00002; ESP Exome Variant Server 0.00008.
gnomAD v4.1: 18 of 1,613,958 alleles (0.0011%); highest among the groups gnomAD compares: East Asian, 0.0045%; no homozygotes.

Submissions (3):

Labcorp Genetics (formerly Invitae), Labcorp
Classification: Pathogenic for Leber congenital amaurosis 9. Last evaluated: 2024-12-30. Review status: criteria provided, single submitter. Criteria: Invitae Variant Classification Sherloc (09022015). Collection method: clinical testing. Allele origin: germline.
Comment: This sequence change replaces methionine, which is neutral and non-polar, with valine, which is neutral and non-polar, at codon 69 of the NMNAT1 protein (p.Met69Val). This variant is present in population databases (rs372066126, gnomAD 0.005%). This missense change has been observed in individual(s) with Leber congenital amaurosis (PMID: 22842227, 22842229, 24625443). In at least one individual the data is consistent with being in trans (on the opposite chromosome) from a pathogenic variant. ClinVar contains an entry for this variant (Variation ID: 972092). Invitae Evidence Modeling of protein sequence and biophysical properties (such as structural, functional, and spatial information, amino acid conservation, physicochemical variation, residue mobility, and thermodynamic stability) indicates that this missense variant is expected to disrupt NMNAT1 protein function with a positive predictive value of 80%. Experimental studies have shown that this missense change affects NMNAT1 function (PMID: 26018082). For these reasons, this variant has been classified as Pathogenic.

Blueprint Genetics
Classification: Pathogenic for NMNAT1-related disorders. Last evaluated: 2022-10-26. Review status: criteria provided, single submitter. Criteria: ACMG Guidelines, 2015. Collection method: clinical testing. Allele origin: germline. Affected: yes. Observed: 1 variant allele.

Laboratory of Genetics in Ophthalmology, Institut Imagine
Classification: Likely pathogenic for Leber congenital amaurosis 9. Review status: no assertion criteria provided. Collection method: research. Allele origin: inherited. Affected: yes. Observed: 3 variant alleles. Not counted in ClinVar's aggregate classification.

Literature cited by the submitters: PubMed 22842227 (cited by Labcorp Genetics (formerly Invitae), Labcorp); PubMed 22842229 (cited by Labcorp Genetics (formerly Invitae), Labcorp and Laboratory of Genetics in Ophthalmology, Institut Imagine); PubMed 24625443 (cited by Labcorp Genetics (formerly Invitae), Labcorp); PubMed 26018082 (cited by Labcorp Genetics (formerly Invitae), Labcorp).

NM_022787.4(NMNAT1):c.205A>G (p.Met69Val)

Gene: NMNAT1 (nicotinamide nucleotide adenylyltransferase 1; plus strand). Cytogenetic location: 1p36.22.
Variant type: single nucleotide variant.
Coding change: c.205A>G on transcript NM_022787.4 (MANE Select); coding-DNA position 205, A replaced by G.
Protein change: p.Met69Val; replaces methionine 69 with valine.
Molecular consequence: missense variant.
Genome position (GRCh38, 1-based): chr1:9,975,681, A>G. VCF-style: chr1-9975681-A-G. GRCh37 (hg19) VCF-style: chr1-10035739-A-G.
Other names: c.205A>G, p.Met69Val (NM_001297778.1, NM_001297779.2); short protein forms M69V.
Identifiers: ClinVar variation 972092 (VCV000972092.12), dbSNP rs372066126, ClinGen allele CA579182.